The following is an entry in ClinVar:

NM_000368.5(TSC1):c.2814-7C>G

Gene: TSC1 (TSC complex subunit 1; minus strand). Cytogenetic location: 9q34.13.
Variant type: single nucleotide variant.
Coding change: c.2814-7C>G on transcript NM_000368.5 (MANE Select); 7 bases into the intron before coding-DNA position 2814, C replaced by G.
Molecular consequence: intron variant.
Genome position (GRCh38, 1-based): chr9:132,897,352, G>C on the plus strand (C>G on the coding strand, the complement: TSC1 is on the minus strand). VCF-style: chr9-132897352-G-C. GRCh37 (hg19) VCF-style: chr9-135772739-G-C.
Other names: c.2448-7C>G (NM_001406620.1, NM_001406621.1, NM_001406622.1 and 1 more transcripts); c.2451-7C>G (NM_001406618.1, NM_001406617.1, NM_001406619.1 and 4 more transcripts); c.2406-7C>G (NM_001406625.1); c.2616-7C>G (NM_001406613.1); c.2658-7C>G (NM_001406612.1, NM_001406611.1); c.2661-7C>G (NM_001406610.1, NM_001162427.2); c.1860-7C>G (NM_001406627.1, NM_001406628.1); c.1761-7C>G (NM_001406629.1, NM_001406630.1); and 8 more.
Identifiers: ClinVar variation 2988366 (VCV002988366.3), dbSNP rs1060504851, ClinGen allele CA2579494084.

ClinVar aggregate classification (germline): Uncertain significance (1 of 4 stars; one submission).

Conditions:
Tuberous sclerosis 1 (TSC1). Identifiers: Orphanet 805, MedGen C1854465, MONDO:0008612, OMIM 191100.

Allele frequency attached by ClinVar (database versions not stated): gnomAD exomes 0.00001.
gnomAD v4.1: 9 of 1,614,170 alleles (0.00056%); highest among the groups gnomAD compares: Non-Finnish European, 0.00068%; no homozygotes.

Submission:

Labcorp Genetics (formerly Invitae), Labcorp
Classification: Uncertain significance for Tuberous sclerosis 1. Last evaluated: 2023-03-27. Review status: criteria provided, single submitter. Criteria: Invitae Variant Classification Sherloc (09022015). Collection method: clinical testing. Allele origin: germline.
Comment: This sequence change falls in intron 21 of the TSC1 gene. It does not directly change the encoded amino acid sequence of the TSC1 protein. This variant is not present in population databases (gnomAD no frequency). This variant has not been reported in the literature in individuals affected with TSC1-related conditions. Algorithms developed to predict the effect of sequence changes on RNA splicing suggest that this variant may disrupt the consensus splice site. In summary, the available evidence is currently insufficient to determine the role of this variant in disease. Therefore, it has been classified as a Variant of Uncertain Significance.